The following is an entry in ClinVar:

ClinVar aggregate classification (germline): Conflicting classifications of pathogenicity. Review status: criteria provided, conflicting classifications (1 of 4 stars). 6 submissions from 6 submitters: Uncertain significance (3); Likely benign (3). Last evaluated 2026-02-02.

Conditions:
Hereditary cancer-predisposing syndrome. Also called: Hereditary neoplastic syndrome; Tumor predisposition; Hereditary Cancer Syndrome; Neoplastic Syndromes, Hereditary. Identifiers: Orphanet 140162, MedGen C0027672, MeSH D009386, MONDO:0015356.
Hereditary breast ovarian cancer syndrome. Also called: Hereditary breast and ovarian cancer syndrome (HBOC); Hereditary breast and ovarian cancer; BRCA1- and BRCA2-Associated Hereditary Breast and Ovarian Cancer; Breast and ovarian cancer; Hereditary breast and ovarian cancer syndrome; Hereditary breast and/or ovarian cancer syndrome. Identifiers: Orphanet 145, MedGen C0677776, MeSH D061325, MONDO:0003582. Disease mechanism: loss of function.
Breast-ovarian cancer, familial, susceptibility to, 1 (BROVCA1). Also called: OVARIAN CANCER, SUSCEPTIBILITY TO; BRCA1 Hereditary Breast and Ovarian Cancer. Identifiers: Orphanet 145, MedGen C2676676, MONDO:0011450, OMIM 604370. Disease mechanism: loss of function.

Allele frequency attached by ClinVar (database versions not stated): gnomAD exomes below 0.00001; TOPMed 0.00001.
gnomAD v4.1: 1 of 1,614,086 alleles (0.000062%); highest among the groups gnomAD compares: African/African-American, 0.0013%; no homozygotes.

Submissions (6):

Myriad Genetics, Inc.
Classification: Likely benign for Breast-ovarian cancer, familial, susceptibility to, 1. Last evaluated: 2026-02-02. Review status: criteria provided, single submitter. Criteria: Myriad Autosomal Dominant, Autosomal Recessive and X-Linked Classification Criteria (2023). Collection method: clinical testing. Allele origin: unknown.
Comment: This variant is considered likely benign. This variant is strongly associated with less severe personal and family histories of cancer, typical for individuals without pathogenic variants in this gene [PMID: 25085752].

Labcorp Genetics (formerly Invitae), Labcorp
Classification: Uncertain significance for Hereditary breast ovarian cancer syndrome. Last evaluated: 2025-07-14. Review status: criteria provided, single submitter. Criteria: Invitae Variant Classification Sherloc (09022015). Collection method: clinical testing. Allele origin: germline.
Comment: This sequence change replaces asparagine, which is neutral and polar, with serine, which is neutral and polar, at codon 602 of the BRCA1 protein (p.Asn602Ser). This variant is not present in population databases (gnomAD no frequency). This variant has not been reported in the literature in individuals affected with BRCA1-related conditions. ClinVar contains an entry for this variant (Variation ID: 628485). Invitae Evidence Modeling of protein sequence and biophysical properties (such as structural, functional, and spatial information, amino acid conservation, physicochemical variation, residue mobility, and thermodynamic stability) indicates that this missense variant is not expected to disrupt BRCA1 protein function with a negative predictive value of 80%. In summary, the available evidence is currently insufficient to determine the role of this variant in disease. Therefore, it has been classified as a Variant of Uncertain Significance.

GeneDx
Classification: Uncertain significance. Last evaluated: 2024-10-16. Review status: criteria provided, single submitter. Criteria: GeneDx Variant Classification Process June 2021. Collection method: clinical testing. Allele origin: germline. Affected: yes.
Comment: Not observed at significant frequency in large population cohorts (gnomAD); In silico analysis indicates that this missense variant does not alter protein structure/function; Has not been previously published as pathogenic or benign to our knowledge; Also known as 1924A>G; This variant is associated with the following publications: (PMID: 15343273, 33298767)

University of Washington Department of Laboratory Medicine, University of Washington
Classification: Likely benign for Hereditary cancer-predisposing syndrome. Last evaluated: 2023-03-23. Review status: criteria provided, single submitter. Criteria: Dines et al. (Genet Med. 2020). Collection method: curation. Allele origin: germline.
Comment: Missense variant in a coldspot region where missense variants are very unlikely to be pathogenic (PMID:31911673).

BRCA1 coldspot (exon 11 using historical exon numbering). Reclassification based on statistical prior probability

Color Diagnostics, LLC DBA Color Health
Classification: Uncertain significance for Hereditary cancer-predisposing syndrome. Last evaluated: 2021-08-30. Review status: criteria provided, single submitter. Criteria: ACMG Guidelines, 2015. Collection method: clinical testing. Allele origin: germline.
Comment: This missense variant replaces asparagine with serine at codon 602 of the BRCA1 protein. Computational prediction suggests that this variant may not impact protein structure and function (internally defined REVEL score threshold <= 0.5, PMID: 27666373). To our knowledge, functional studies have not been reported for this variant. This variant has not been reported in individuals affected with hereditary cancer in the literature. This variant has not been identified in the general population by the Genome Aggregation Database (gnomAD). The available evidence is insufficient to determine the role of this variant in disease conclusively. Therefore, this variant is classified as a Variant of Uncertain Significance.

Ambry Genetics
Classification: Likely benign for Hereditary cancer-predisposing syndrome. Last evaluated: 2019-03-19. Review status: criteria provided, single submitter. Criteria: Ambry Variant Classification Scheme 2023. Collection method: clinical testing. Allele origin: germline.

Literature cited by the submitters: PubMed 25085752 (cited by Myriad Genetics, Inc.).

NM_007294.4(BRCA1):c.1805A>G (p.Asn602Ser)

Gene: BRCA1 (BRCA1 DNA repair associated; minus strand). Cytogenetic location: 17q21.31.
Variant type: single nucleotide variant.
Coding change: c.1805A>G on transcript NM_007294.4 (MANE Select); coding-DNA position 1805, A replaced by G.
Protein change: p.Asn602Ser; replaces asparagine 602 with serine.
Molecular consequence: missense variant. On other transcripts: intron variant (137).
Genome position (GRCh38, 1-based): chr17:43,093,726, T>C on the plus strand (A>G on the coding strand, the complement: BRCA1 is on the minus strand). VCF-style: chr17-43093726-T-C. GRCh37 (hg19) VCF-style: chr17-41245743-T-C.
Other names: c.787+1018A>G (NM_001408403.1, NM_001407983.1, NM_001407975.1 and 19 more transcripts); c.790+1015A>G (NM_001408406.1); c.646+1018A>G (NM_001408456.1, NM_001408410.1, NM_001408458.1 and 11 more transcripts); c.643+1018A>G (NM_001408465.1, NM_001408463.1, NM_001408462.1 and 3 more transcripts); c.577+1018A>G (NM_001408482.1, NM_001408484.1, NM_001408478.1 and 9 more transcripts); c.520+1018A>G (NM_001408504.1, NM_001408503.1, NM_001408505.1); c.523+1018A>G (NM_001408499.1, NM_001408498.1, NM_001408501.1 and 3 more transcripts); c.670+2120A>G (NM_001408422.1, NM_001408418.1, NM_001408423.1 and 2 more transcripts); and 40 more; short protein forms N602S, N555S, N434S, N474S, N475S, N532S, N534S, N554S.
Identifiers: ClinVar variation 628485 (VCV000628485.18), dbSNP rs1567798189, ClinGen allele CA10598408.
Genomic context (GRCh38, chr17:43,093,726, plus strand): 5'-GCATGAATATGCCTGGTAGAAGACTTCCTCCTCAGCCTATTCTTTTTAGGTGCTTTTGAA[T>C]TGTGGATATTTAATTCGAGTTCCATATTGCTTATACTGCTGCTTATAGGTTCAGCTTTCG-3'
Protein context (NP_009225.1, residues 592-612): SNMELELNIH[Asn602Ser]SKAPKKNRLR